The following is an entry in ClinVar:

NM_152419.3(HGSNAT):c.756_761del (p.Ile252_Leu253del)

Gene: HGSNAT (heparan-alpha-glucosaminide N-acetyltransferase; plus strand). Cytogenetic location: 8p11.21.
Variant type: Deletion.
Coding change: c.756_761del on transcript NM_152419.3 (MANE Select); coding-DNA positions 756 to 761, 6 bases deleted (ACTCAT; older notation c.756_761delACTCAT).
Protein change: p.Ile252_Leu253del.
Molecular consequence: inframe deletion. On other transcripts: 5 prime UTR variant (1).
Genome position (GRCh38, 1-based): chr8:43,172,322-43,172,327, ACTCAT deleted; deleting any 6 consecutive bases within chr8:43,172,320-43,172,327 gives the same sequence; the c. name uses the placement nearest the transcript's 3' end. VCF-style (leftmost placement, unchanged base first): chr8-43172319-TATACTC-T. GRCh37 (hg19) VCF-style: chr8-43027462-TATACTC-T.
Other names: c.756_761del, p.Ile252_Leu253del (NM_001363227.2, NM_001363228.2); c.-78_-73del (NM_001363229.2).
Identifiers: ClinVar variation 1413874 (VCV001413874.7), dbSNP rs2130750552, ClinGen allele CA2573143119.

ClinVar aggregate classification (germline): Uncertain significance. Review status: criteria provided, multiple submitters, no conflicts (2 of 4 stars). 2 submissions from 2 submitters: Uncertain significance (2). Last evaluated 2022-05-25.

Conditions:
Retinitis pigmentosa 73 (RP73). Identifiers: Orphanet 791, MedGen C4225287, MONDO:0014687, OMIM 616544.
Mucopolysaccharidosis, MPS-III-C (MPS3C). Also called: MPS IIIC (Sanfilippo Syndrome Type C); MUCOPOLYSACCHARIDOSIS, TYPE IIIC; Mucopolysaccharidosis type IIIC (Sanfilippo C); SANFILIPPO SYNDROME C; MPS III C; mucopolysaccharidosis type 3C. Identifiers: Orphanet 581, Orphanet 79271, MedGen C0086649, MONDO:0009657, OMIM 252930.

Submissions (2):

Blueprint Genetics
Classification: Uncertain significance. Last evaluated: 2022-05-25. Review status: criteria provided, single submitter. Criteria: ACMG Guidelines, 2015. Collection method: clinical testing. Allele origin: germline.

Labcorp Genetics (formerly Invitae), Labcorp
Classification: Uncertain significance for Retinitis pigmentosa 73; Mucopolysaccharidosis, MPS-III-C. Last evaluated: 2021-02-12. Review status: criteria provided, single submitter. Criteria: Invitae Variant Classification Sherloc (09022015). Collection method: clinical testing. Allele origin: germline.
Comment: In summary, the available evidence is currently insufficient to determine the role of this variant in disease. Therefore, it has been classified as a Variant of Uncertain Significance. Experimental studies and prediction algorithms are not available or were not evaluated, and the functional significance of this variant is currently unknown. This variant has not been reported in the literature in individuals with HGSNAT-related conditions. This variant is not present in population databases (ExAC no frequency). This variant, c.756_761del, results in the deletion of 2 amino acid(s) of the HGSNAT protein (p.Ile252_Leu253del), but otherwise preserves the integrity of the reading frame.